The following is an entry in ClinVar:

ClinVar aggregate classification (germline): Uncertain significance. Review status: criteria provided, multiple submitters, no conflicts (2 of 4 stars). 2 submissions from 2 submitters: Uncertain significance (2). Last evaluated 2025-04-03.

Conditions:
Inborn genetic diseases. Identifiers: MedGen C0950123, MeSH D030342.
Hereditary spastic paraplegia 11. Also called: Nakamura Osame syndrome; Autosomal recessive hereditary spastic paraplegia, mental impairment, and thin corpus callosum; Spastic paraplegia, mental retardation and thin corpus callosum; SPASTIC PARAPLEGIA, AUTOSOMAL RECESSIVE, COMPLICATED, WITH THIN CORPUS CALLOSUM; SPASTIC PARAPLEGIA, AUTOSOMAL RECESSIVE, WITH MENTAL IMPAIRMENT AND THIN CORPUS CALLOSUM; Spastic Paraplegia 11. Identifiers: Orphanet 2822, MedGen C1858479, MONDO:0011445, OMIM 604360.

Allele frequency attached by ClinVar (database versions not stated): ExAC below 0.00001; gnomAD 0.00001.
gnomAD v4.1: 3 of 1,596,480 alleles (0.00019%); highest among the groups gnomAD compares: Admixed American, 0.0017%; no homozygotes.

Submissions (2):

Ambry Genetics
Classification: Uncertain significance for Inborn genetic diseases. Last evaluated: 2025-04-03. Review status: criteria provided, single submitter. Criteria: Ambry Variant Classification Scheme 2023. Collection method: clinical testing. Allele origin: germline.

Labcorp Genetics (formerly Invitae), Labcorp
Classification: Uncertain significance for Hereditary spastic paraplegia 11. Last evaluated: 2021-08-30. Review status: criteria provided, single submitter. Criteria: Invitae Variant Classification Sherloc (09022015). Collection method: clinical testing. Allele origin: germline.
Comment: This sequence change replaces proline with leucine at codon 27 of the SPG11 protein (p.Pro27Leu). The proline residue is moderately conserved and there is a moderate physicochemical difference between proline and leucine. The frequency data for this variant in the population databases is considered unreliable, as metrics indicate poor data quality at this position in the ExAC database. This variant has not been reported in the literature in individuals affected with SPG11-related conditions. Algorithms developed to predict the effect of missense changes on protein structure and function (SIFT, PolyPhen-2, Align-GVGD) all suggest that this variant is likely to be tolerated. In summary, the available evidence is currently insufficient to determine the role of this variant in disease. Therefore, it has been classified as a Variant of Uncertain Significance.

NM_025137.4(SPG11):c.80C>T (p.Pro27Leu)

Gene: SPG11 (SPG11 vesicle trafficking associated, spatacsin; minus strand). Cytogenetic location: 15q21.1.
Variant type: single nucleotide variant.
Coding change: c.80C>T on transcript NM_025137.4 (MANE Select); coding-DNA position 80, C replaced by T.
Protein change: p.Pro27Leu; replaces proline 27 with leucine.
Molecular consequence: missense variant.
Genome position (GRCh38, 1-based): chr15:44,663,568, G>A on the plus strand (C>T on the coding strand, the complement: SPG11 is on the minus strand). VCF-style: chr15-44663568-G-A. GRCh37 (hg19) VCF-style: chr15-44955766-G-A.
Other names: c.80C>T, p.Pro27Leu (NM_001160227.2); short protein forms P27L.
Identifiers: ClinVar variation 534834 (VCV000534834.7), dbSNP rs756011988, ClinGen allele CA7535952.